The following is an entry in ClinVar:

NM_004100.5(EYA4):c.1439A>T (p.Lys480Met)

Genes: TARID (TCF21 antisense RNA inducing promoter demethylation; minus strand), EYA4 (EYA transcriptional coactivator and phosphatase 4; plus strand). Cytogenetic location: 6q23.2.
Variant type: single nucleotide variant.
Coding change: c.1439A>T on transcript NM_004100.5 (MANE Select); coding-DNA position 1439, A replaced by T.
Protein change: p.Lys480Met; replaces lysine 480 with methionine.
Molecular consequence: missense variant.
Genome position (GRCh38, 1-based): chr6:133,512,976, A>T. VCF-style: chr6-133512976-A-T. GRCh37 (hg19) VCF-style: chr6-133834114-A-T.
Other names: c.1277A>T, p.Lys426Met (NM_001301012.2); c.1457A>T, p.Lys486Met (NM_001301013.2); c.1370A>T, p.Lys457Met (NM_001370458.1, NM_172103.4); c.1295A>T, p.Lys432Met (NM_001370459.1); c.1439A>T, p.Lys480Met (NM_172105.4); short protein forms K426M, K480M, K486M, K457M, K432M.
Identifiers: ClinVar variation 2124025 (VCV002124025.4), dbSNP rs2535340795, ClinGen allele CA365715348.

ClinVar aggregate classification (germline): Uncertain significance (1 of 4 stars; one submission).

Conditions:
Dilated cardiomyopathy 1J (CMD1J). Also called: CARDIOMYOPATHY, DILATED, WITH SENSORINEURAL HEARING LOSS, AUTOSOMAL DOMINANT. Identifiers: Orphanet 217622, MedGen C1854368, MONDO:0011541, OMIM 605362.

Allele frequency attached by ClinVar (database versions not stated): gnomAD exomes below 0.00001.
gnomAD v4.1: 1 of 1,614,108 alleles (0.000062%); highest among the groups gnomAD compares: Non-Finnish European, 0.000085%; no homozygotes.

Submission:

Labcorp Genetics (formerly Invitae), Labcorp
Classification: Uncertain significance for Dilated cardiomyopathy 1J. Last evaluated: 2022-10-18. Review status: criteria provided, single submitter. Criteria: Invitae Variant Classification Sherloc (09022015). Collection method: clinical testing. Allele origin: germline.
Comment: This variant is not present in population databases (gnomAD no frequency). This sequence change replaces lysine, which is basic and polar, with methionine, which is neutral and non-polar, at codon 480 of the EYA4 protein (p.Lys480Met). This variant has not been reported in the literature in individuals affected with EYA4-related conditions. In summary, the available evidence is currently insufficient to determine the role of this variant in disease. Therefore, it has been classified as a Variant of Uncertain Significance. Advanced modeling of protein sequence and biophysical properties (such as structural, functional, and spatial information, amino acid conservation, physicochemical variation, residue mobility, and thermodynamic stability) performed at Invitae indicates that this missense variant is expected to disrupt EYA4 protein function.